The following is an entry in ClinVar:

ClinVar aggregate classification (germline): Uncertain significance (1 of 4 stars; one submission).

gnomAD v4.1: 36 of 1,610,622 alleles (0.0022%); highest among the groups gnomAD compares: Middle Eastern, 0.016%; no homozygotes.

Submission:

Labcorp Genetics (formerly Invitae), Labcorp
Classification: Uncertain significance. Last evaluated: 2024-04-18. Review status: criteria provided, single submitter. Criteria: Invitae Variant Classification Sherloc (09022015). Collection method: clinical testing. Allele origin: germline.
Comment: This sequence change replaces arginine, which is basic and polar, with histidine, which is basic and polar, at codon 516 of the DLL4 protein (p.Arg516His). The frequency data for this variant in the population databases is considered unreliable, as metrics indicate poor data quality at this position in the gnomAD database. This variant has not been reported in the literature in individuals affected with DLL4-related conditions. Advanced modeling of protein sequence and biophysical properties (such as structural, functional, and spatial information, amino acid conservation, physicochemical variation, residue mobility, and thermodynamic stability) performed at Invitae indicates that this missense variant is not expected to disrupt DLL4 protein function with a negative predictive value of 80%. In summary, the available evidence is currently insufficient to determine the role of this variant in disease. Therefore, it has been classified as a Variant of Uncertain Significance.

NM_019074.4(DLL4):c.1547G>A (p.Arg516His)

Gene: DLL4 (delta like canonical Notch ligand 4; plus strand). Cytogenetic location: 15q15.1.
Variant type: single nucleotide variant.
Coding change: c.1547G>A on transcript NM_019074.4 (MANE Select); coding-DNA position 1547, G replaced by A.
Protein change: p.Arg516His; replaces arginine 516 with histidine.
Molecular consequence: missense variant.
Genome position (GRCh38, 1-based): chr15:40,936,534, G>A. VCF-style: chr15-40936534-G-A. GRCh37 (hg19) VCF-style: chr15-41228732-G-A.
Other names: short protein forms R516H.
Identifiers: ClinVar variation 3614144 (VCV003614144.2).
Genomic context (GRCh38, chr15:40,936,534, plus strand): 5'-ACACCGACCTCTCCACAGACACCTTTGTGTGCAACTGCCCTTATGGCTTTGTGGGCAGCC[G>A]CTGCGAGTTCCCCGTGGGCTTGCCGCCCAGCTTCCCCTGGGTGGCCGTCTCGCTGGGTGT-3'
Protein context (NP_061947.1, residues 506-526): CNCPYGFVGS[Arg516His]CEFPVGLPPS